The following is an entry in ClinVar:

ClinVar aggregate classification (germline): Likely benign. Review status: criteria provided, multiple submitters, no conflicts (2 of 4 stars). 2 submissions from 2 submitters: Likely benign (2). Last evaluated 2023-07-25.

Conditions:
Neuronopathy, distal hereditary motor, autosomal recessive 4. Also called: NEUROPATHY, DISTAL HEREDITARY MOTOR, AUTOSOMAL RECESSIVE 4; Autosomal recessive lower motor neuron disease with childhood onset. Identifiers: Orphanet 206580, MedGen C1970211, MONDO:0012608, OMIM 611067.
Charcot-Marie-Tooth disease recessive intermediate C. Also called: CHARCOT-MARIE-TOOTH NEUROPATHY, RECESSIVE INTERMEDIATE C. Identifiers: Orphanet 369867, MedGen C3809309, MONDO:0014154, OMIM 615376.

Allele frequency attached by ClinVar (database versions not stated): gnomAD exomes below 0.00001 and 0.00001; ExAC 0.00001; TOPMed 0.00001; gnomAD 0.00002; ESP Exome Variant Server 0.00008.
gnomAD v4.1: 6 of 1,613,530 alleles (0.00037%); highest among the groups gnomAD compares: African/African-American, 0.008%; no homozygotes.

Submissions (2):

Labcorp Genetics (formerly Invitae), Labcorp
Classification: Likely benign for Neuronopathy, distal hereditary motor, autosomal recessive 4; Charcot-Marie-Tooth disease recessive intermediate C. Last evaluated: 2023-07-25. Review status: criteria provided, single submitter. Criteria: Invitae Variant Classification Sherloc (09022015). Collection method: clinical testing. Allele origin: germline.

GeneDx
Classification: Likely benign. Last evaluated: 2018-02-16. Review status: criteria provided, single submitter. Criteria: GeneDx Variant Classification (06012015). Collection method: clinical testing. Allele origin: germline. Affected: yes.
Comment: This variant is considered likely benign or benign based on one or more of the following criteria: it is a conservative change, it occurs at a poorly conserved position in the protein, it is predicted to be benign by multiple in silico algorithms, and/or has population frequency not consistent with disease.

NM_020631.6(PLEKHG5):c.2049+9A>G

Gene: PLEKHG5 (pleckstrin homology and RhoGEF domain containing G5; minus strand). Cytogenetic location: 1p36.31.
Variant type: single nucleotide variant.
Coding change: c.2049+9A>G on transcript NM_020631.6 (MANE Select); 9 bases into the intron after coding-DNA position 2049, A replaced by G.
Molecular consequence: intron variant.
Genome position (GRCh38, 1-based): chr1:6,469,326, T>C on the plus strand (A>G on the coding strand, the complement: PLEKHG5 is on the minus strand). VCF-style: chr1-6469326-T-C. GRCh37 (hg19) VCF-style: chr1-6529386-T-C.
Other names: c.2049+9A>G (NM_198681.4, NM_001265594.3, NM_001042664.2 and 1 more transcripts); c.2160+9A>G (NM_001042663.3, NM_001265592.2); c.2256+9A>G (NM_001265593.2).
Identifiers: ClinVar variation 515435 (VCV000515435.4), dbSNP rs368743607, ClinGen allele CA561277.